The following is an entry in ClinVar:

NM_024700.4(SNIP1):c.212G>A (p.Arg71Gln)

Genes: SNIP1 (Smad nuclear interacting protein 1; minus strand), LOC129930156 (ATAC-STARR-seq lymphoblastoid silent region 673; plus strand). Cytogenetic location: 1p34.3.
Variant type: single nucleotide variant.
Coding change: c.212G>A on transcript NM_024700.4 (MANE Select); coding-DNA position 212, G replaced by A.
Protein change: p.Arg71Gln; replaces arginine 71 with glutamine.
Molecular consequence: missense variant.
Genome position (GRCh38, 1-based): chr1:37,554,018, C>T on the plus strand (G>A on the coding strand, the complement: SNIP1 is on the minus strand). VCF-style: chr1-37554018-C-T. GRCh37 (hg19) VCF-style: chr1-38019619-C-T.
Other names: short protein forms R71Q.
Identifiers: ClinVar variation 1349787 (VCV001349787.6), dbSNP rs866431182, ClinGen allele CA339429696.
Genomic context (GRCh38, chr1:37,554,018, plus strand): 5'-CTGAATGAGCCCAACCCAATGTCCATCCTGGACTGCTCCCCCACTTACCGGCTAACTCCT[C>T]GGGCTCGGTTCCCGCGGTGGCCCGAGCGGGCCGGCTCGCTGGTCGGCGGAGACGGGCTAC-3'
Protein context (NP_078976.2, residues 61-81): ARSGHRGNRA[Arg71Gln]GVSRSPPKKK

ClinVar aggregate classification (germline): Uncertain significance (1 of 4 stars; one submission).

Submission:

Labcorp Genetics (formerly Invitae), Labcorp
Classification: Uncertain significance. Last evaluated: 2024-02-24. Review status: criteria provided, single submitter. Criteria: Invitae Variant Classification Sherloc (09022015). Collection method: clinical testing. Allele origin: germline.
Comment: This sequence change replaces arginine, which is basic and polar, with glutamine, which is neutral and polar, at codon 71 of the SNIP1 protein (p.Arg71Gln). This variant is not present in population databases (gnomAD no frequency). This variant has not been reported in the literature in individuals affected with SNIP1-related conditions. ClinVar contains an entry for this variant (Variation ID: 1349787). Advanced modeling of protein sequence and biophysical properties (such as structural, functional, and spatial information, amino acid conservation, physicochemical variation, residue mobility, and thermodynamic stability) performed at Invitae indicates that this missense variant is not expected to disrupt SNIP1 protein function with a negative predictive value of 80%. In summary, the available evidence is currently insufficient to determine the role of this variant in disease. Therefore, it has been classified as a Variant of Uncertain Significance.